The following is an entry in ClinVar:

NM_004380.3(CREBBP):c.718G>T (p.Ala240Ser)

Gene: CREBBP (CREB binding lysine acetyltransferase; minus strand). Cytogenetic location: 16p13.3.
Variant type: single nucleotide variant.
Coding change: c.718G>T on transcript NM_004380.3 (MANE Select); coding-DNA position 718, G replaced by T.
Protein change: p.Ala240Ser; replaces alanine 240 with serine.
Molecular consequence: missense variant.
Genome position (GRCh38, 1-based): chr16:3,850,377, C>A on the plus strand (G>T on the coding strand, the complement: CREBBP is on the minus strand). VCF-style: chr16-3850377-C-A. GRCh37 (hg19) VCF-style: chr16-3900378-C-A.
Other names: c.718G>T, p.Ala240Ser (NM_001079846.1); short protein forms A240S.
Identifiers: ClinVar variation 3731367 (VCV003731367.1).

ClinVar aggregate classification (germline): Uncertain significance (1 of 4 stars; one submission).

Conditions:
Rubinstein-Taybi syndrome due to CREBBP mutations (RSTS1). Also called: Rubinstein-Taybi syndrome 1; BROAD THUMBS AND GREAT TOES, CHARACTERISTIC FACIES, AND IMPAIRED INTELLECTUAL DEVELOPMENT; RUBINSTEIN SYNDROME; RUBINSTEIN-TAYBI SYNDROME 1, INCOMPLETE; CREBBP-Related Rubinstein-Taybi Syndrome; BROAD THUMB-HALLUX SYNDROME. Identifiers: Orphanet 353277, Orphanet 783, MedGen C4551859, MONDO:0008393, OMIM 180849.

gnomAD v4.1: 1 of 1,614,124 alleles (0.000062%); highest among the groups gnomAD compares: South Asian, 0.0011%; no homozygotes.

Submission:

Neuberg Centre For Genomic Medicine, NCGM
Classification: Uncertain significance for Rubinstein-Taybi syndrome due to CREBBP mutations. Review status: criteria provided, single submitter. Criteria: ACMG Guidelines, 2015. Collection method: clinical testing. Allele origin: germline. Inheritance: Autosomal dominant inheritance. Affected: yes.
Comment: The missense c.718G>T (p.Ala240Ser) variant in CREBBP gene has not been reported previously as a pathogenic variant nor as a benign variant, to our knowledge. The p.Ala240Ser variant is absent in gnomAD Exomes. This variant has not been submitted to the ClinVar database. Multiple lines of computational evidence (Polyphen - Probably Damaging, SIFT - Damaging and MutationTaster - Disease causing) predict a damaging effect on protein structure and function for this variant. The reference amino acid at this position in CREBBP is predicted as conserved by GERP++ and PhyloP across 100 vertebrates. The amino acid Ala at position 240 is changed to a Ser changing protein sequence and it might alter its composition and physico-chemical properties. For these reasons, this variant has been classified as a Variant of Uncertain Significance (VUS).